The following is an entry in ClinVar:

NM_001374736.1(DST):c.13606A>G (p.Ser4536Gly)

Gene: DST (dystonin; minus strand). Cytogenetic location: 6p12.1.
Variant type: single nucleotide variant.
Coding change: c.13606A>G on transcript NM_001374736.1 (MANE Select); coding-DNA position 13606, A replaced by G.
Protein change: p.Ser4536Gly; replaces serine 4536 with glycine.
Molecular consequence: missense variant.
Genome position (GRCh38, 1-based): chr6:56,572,215, T>C on the plus strand (A>G on the coding strand, the complement: DST is on the minus strand). VCF-style: chr6-56572215-T-C. GRCh37 (hg19) VCF-style: chr6-56437013-T-C.
Other names: p.Ser1913Gly; c.7249A>G, p.Ser2417Gly (NM_001144769.5); c.6835A>G, p.Ser2279Gly (NM_001144770.2); c.13606A>G, p.Ser4536Gly (NM_001374722.1); c.12973A>G, p.Ser4325Gly (NM_001374729.1); c.6715A>G, p.Ser2239Gly (NM_001374730.1, NM_001386100.1, NM_183380.4); c.13633A>G, p.Ser4545Gly (NM_001374734.1); c.5737A>G, p.Ser1913Gly (NM_015548.5); short protein forms S2239G, S1913G, S2279G, S2417G, S4325G, S4536G, S4545G.
Identifiers: ClinVar variation 1446228 (VCV001446228.4), dbSNP rs759298431, ClinGen allele CA3868185.

ClinVar aggregate classification (germline): Uncertain significance. Review status: criteria provided, multiple submitters, no conflicts (2 of 4 stars). 2 submissions from 2 submitters: Uncertain significance (2). Last evaluated 2024-04-15.

Conditions:
Epidermolysis bullosa simplex 3, localized or generalized intermediate, with BP230 deficiency (EBS3). Also called: Epidermolysis bullosa simplex due to BP230 deficiency; Epidermolysis bullosa simplex, autosomal recessive 2. Identifiers: Orphanet 412181, MedGen C3809470, MONDO:0014180, OMIM 615425.
Hereditary sensory and autonomic neuropathy type 6. Also called: HSAN VI; Neuropathy, hereditary sensory and autonomic, type VI. Identifiers: Orphanet 314381, MedGen C3539003, MONDO:0013839, OMIM 614653.

Allele frequency attached by ClinVar (database versions not stated): gnomAD exomes 0.00001 and 0.00004; ExAC 0.00002; TOPMed 0.00002; gnomAD 0.00003.
gnomAD v4.1: 54 of 1,577,076 alleles (0.0034%); highest among the groups gnomAD compares: Non-Finnish European, 0.0045%; no homozygotes.

Submissions (2):

Mayo Clinic Laboratories, Mayo Clinic
Classification: Uncertain significance. Last evaluated: 2024-04-15. Review status: criteria provided, single submitter. Criteria: ACMG Guidelines, 2015. Collection method: clinical testing. Allele origin: germline. Observed: 1 variant allele.
Comment: BP4, PM2

Labcorp Genetics (formerly Invitae), Labcorp
Classification: Uncertain significance for Epidermolysis bullosa simplex 3, localized or generalized intermediate, with BP230 deficiency; Hereditary sensory and autonomic neuropathy type 6. Last evaluated: 2021-09-08. Review status: criteria provided, single submitter. Criteria: Invitae Variant Classification Sherloc (09022015). Collection method: clinical testing. Allele origin: germline.